The following is an entry in ClinVar:

ClinVar aggregate classification (germline): Uncertain significance. Review status: criteria provided, multiple submitters, no conflicts (2 of 4 stars). 3 submissions from 3 submitters: Uncertain significance (3). Last evaluated 2025-06-30.

Conditions:
Fanconi renotubular syndrome 2 (FRTS2). Identifiers: MedGen C3150652, MONDO:0013247, OMIM 613388.
Hypophosphatemic nephrolithiasis/osteoporosis 1. Identifiers: Orphanet 244305, MedGen C2676786, MONDO:0012850, OMIM 612286.
Hypercalcemia, infantile, 2 (HCINF2). Identifiers: Orphanet 300547, MedGen C4310473, MONDO:0014851, OMIM 616963.
Inborn genetic diseases. Identifiers: MedGen C0950123, MeSH D030342.

Submissions (3):

Ambry Genetics
Classification: Uncertain significance for Inborn genetic diseases. Last evaluated: 2025-06-30. Review status: criteria provided, single submitter. Criteria: Ambry Variant Classification Scheme 2023. Collection method: clinical testing. Allele origin: germline.

Fulgent Genetics
Classification: Uncertain significance for Hypophosphatemic nephrolithiasis/osteoporosis 1; Fanconi renotubular syndrome 2; Hypercalcemia, infantile, 2. Last evaluated: 2022-03-15. Review status: criteria provided, single submitter. Criteria: ACMG Guidelines, 2015. Collection method: clinical testing. Allele origin: unknown.

Labcorp Genetics (formerly Invitae), Labcorp
Classification: Uncertain significance. Last evaluated: 2021-09-01. Review status: criteria provided, single submitter. Criteria: Invitae Variant Classification Sherloc (09022015). Collection method: clinical testing. Allele origin: germline.
Comment: This sequence change replaces valine with methionine at codon 415 of the SLC34A1 protein (p.Val415Met). The valine residue is moderately conserved and there is a small physicochemical difference between valine and methionine. This variant is not present in population databases (ExAC no frequency). This variant has not been reported in the literature in individuals affected with SLC34A1-related conditions. Algorithms developed to predict the effect of missense changes on protein structure and function are either unavailable or do not agree on the potential impact of this missense change (SIFT: "Deleterious"; PolyPhen-2: "Possibly Damaging"; Align-GVGD: "Class C0"). In summary, the available evidence is currently insufficient to determine the role of this variant in disease. Therefore, it has been classified as a Variant of Uncertain Significance.

NM_003052.5(SLC34A1):c.1243G>A (p.Val415Met)

Gene: SLC34A1 (solute carrier family 34 member 1; plus strand). Cytogenetic location: 5q35.3.
Variant type: single nucleotide variant.
Coding change: c.1243G>A on transcript NM_003052.5 (MANE Select); coding-DNA position 1243, G replaced by A.
Protein change: p.Val415Met; replaces valine 415 with methionine.
Molecular consequence: missense variant.
Genome position (GRCh38, 1-based): chr5:177,396,801, G>A. VCF-style: chr5-177396801-G-A. GRCh37 (hg19) VCF-style: chr5-176823802-G-A.
Other names: c.1243G>A (NM_003052.4); short protein forms V415M.
Identifiers: ClinVar variation 1380042 (VCV001380042.7), dbSNP rs765774780, ClinGen allele CA362314461.
Genomic context (GRCh38, chr5:177,396,801, plus strand): 5'-GCCCCCTTCACCTGGGTCACAGGCTACTTTGCCATGGTGGTGGGCGCCAGCATGACCTTC[G>A]TGGTCCAGAGCAGTTCTGTGTTCACCTCGGCCATCACCCCACTCATCGGTGAGTGCCCAT-3'
Protein context (NP_003043.3, residues 405-425): AMVVGASMTF[Val415Met]VQSSSVFTSA